The following is an entry in ClinVar:

NM_006469.5(IVNS1ABP):c.379T>C (p.Ser127Pro)

Gene: IVNS1ABP (influenza virus NS1A binding protein; minus strand). Cytogenetic location: 1q25.3.
Variant type: single nucleotide variant.
Coding change: c.379T>C on transcript NM_006469.5 (MANE Select); coding-DNA position 379, T replaced by C.
Protein change: p.Ser127Pro; replaces serine 127 with proline.
Molecular consequence: missense variant.
Genome position (GRCh38, 1-based): chr1:185,307,641, A>G on the plus strand (T>C on the coding strand, the complement: IVNS1ABP is on the minus strand). VCF-style: chr1-185307641-A-G. GRCh37 (hg19) VCF-style: chr1-185276773-A-G.
Other names: short protein forms S127P.
Identifiers: ClinVar variation 2630013 (VCV002630013.1), dbSNP rs959035894, ClinGen allele CA33417255.

ClinVar aggregate classification (germline): Uncertain significance (1 of 4 stars; one submission).

Conditions:
IVNS1ABP-related disorder. Also called: IVNS1ABP-related condition.

Allele frequency attached by ClinVar (database versions not stated): gnomAD exomes below 0.00001.
gnomAD v4.1: 4 of 1,613,386 alleles (0.00025%); highest among the groups gnomAD compares: Non-Finnish European, 0.00025%; no homozygotes.

Submission:

PreventionGenetics, part of Exact Sciences
Classification: Uncertain significance for IVNS1ABP-related condition. Last evaluated: 2023-01-24. Review status: criteria provided, single submitter. Criteria: ACMG Guidelines, 2015. Collection method: clinical testing. Allele origin: germline.
Comment: The IVNS1ABP c.379T>C variant is predicted to result in the amino acid substitution p.Ser127Pro. To our knowledge, this variant has not been reported in the literature or in a large population database, indicating this variant is rare. At this time, the clinical significance of this variant is uncertain due to the absence of conclusive functional and genetic evidence.